The following is an entry in ClinVar:

ClinVar aggregate classification (germline): Likely benign. Review status: criteria provided, multiple submitters, no conflicts (2 of 4 stars). 2 submissions from 2 submitters: Likely benign (2). Last evaluated 2023-02-24.

Conditions:
Catecholaminergic polymorphic ventricular tachycardia 1. Also called: VENTRICULAR TACHYCARDIA, STRESS-INDUCED POLYMORPHIC 1; VENTRICULAR TACHYCARDIA, CATECHOLAMINERGIC POLYMORPHIC, 1, WITH OR WITHOUT ATRIAL DYSFUNCTION AND/OR DILATED CARDIOMYOPATHY; RYR2-Related Catecholaminergic Polymorphic Ventricular Tachycardia. Identifiers: Orphanet 3286, MedGen C1631597, MONDO:0011484, OMIM 604772.
Catecholaminergic polymorphic ventricular tachycardia (CVPT). Also called: Catecholamine-induced polymorphic ventricular tachycardia. Identifiers: Orphanet 3286, MedGen C5574922, MONDO:0017990.

gnomAD v4.1: 3 of 1,597,870 alleles (0.00019%); highest among the groups gnomAD compares: East Asian, 0.0067%; no homozygotes.

Submissions (2):

All of Us Research Program, National Institutes of Health
Classification: Likely benign for Catecholaminergic polymorphic ventricular tachycardia. Last evaluated: 2023-02-24. Review status: criteria provided, single submitter. Criteria: ACMG Guidelines, 2015. Collection method: clinical testing. Allele origin: germline. Inheritance: Autosomal dominant inheritance. Observed: 1 variant allele, 1 heterozygote.
Comment: This study involves interpretation of variants in research participants for the purpose of population health screening. Participant phenotype was not available at the time of variant classification. Additional details can be found in publication PMID: 35346344, PMCID: PMC8962531

Labcorp Genetics (formerly Invitae), Labcorp
Classification: Likely benign for Catecholaminergic polymorphic ventricular tachycardia 1. Last evaluated: 2023-01-28. Review status: criteria provided, single submitter. Criteria: Invitae Variant Classification Sherloc (09022015). Collection method: clinical testing. Allele origin: germline.

NM_001035.3(RYR2):c.11787T>C (p.Thr3929=)

Gene: RYR2 (ryanodine receptor 2; plus strand). Cytogenetic location: 1q43.
Variant type: single nucleotide variant.
Coding change: c.11787T>C on transcript NM_001035.3 (MANE Select); coding-DNA position 11787, T replaced by C.
Protein change: p.Thr3929=; no amino-acid change (threonine 3929 retained).
Molecular consequence: synonymous variant.
Genome position (GRCh38, 1-based): chr1:237,778,677, T>C. VCF-style: chr1-237778677-T-C. GRCh37 (hg19) VCF-style: chr1-237941977-T-C.
Identifiers: ClinVar variation 1933730 (VCV001933730.6), dbSNP rs1195606828, ClinGen allele CA423824212.